The following is an entry in ClinVar:

NM_001394372.1(BICRA):c.2250C>T (p.Pro750=)

Gene: BICRA (BRD4 interacting chromatin remodeling complex associated protein; plus strand). Cytogenetic location: 19q13.33.
Variant type: single nucleotide variant.
Coding change: c.2250C>T on transcript NM_001394372.1 (MANE Select); coding-DNA position 2250, C replaced by T.
Protein change: p.Pro750=; no amino-acid change (proline 750 retained).
Molecular consequence: synonymous variant.
Genome position (GRCh38, 1-based): chr19:47,682,119, C>T. VCF-style: chr19-47682119-C-T. GRCh37 (hg19) VCF-style: chr19-48185376-C-T.
Other names: c.2250C>T, p.Pro750= (NM_015711.3).
Identifiers: ClinVar variation 3896011 (VCV003896011.1).

ClinVar aggregate classification (germline): Likely benign (1 of 4 stars; one submission).

gnomAD v4.1: 10 of 1,513,016 alleles (0.00066%); highest among the groups gnomAD compares: African/African-American, 0.0027%; no homozygotes.

Submission:

Women's Health and Genetics/Laboratory Corporation of America, LabCorp
Classification: Likely benign. Last evaluated: 2025-03-24. Review status: criteria provided, single submitter. Criteria: LabCorp Variant Classification Summary - May 2015. Collection method: clinical testing. Allele origin: germline.
Comment: Variant summary: BICRA c.2250C>T alters a non-conserved nucleotide resulting in a synonymous change. Consensus agreement among computation tools predict no significant impact on normal splicing. However, these predictions have yet to be confirmed by functional studies. The variant allele was found at a frequency of 6.6e-06 in 1513016 control chromosomes (gnomAD). To our knowledge, no occurrence of c.2250C>T in individuals affected with Coffin-Siris Syndrome 12 and no experimental evidence demonstrating its impact on protein function have been reported. No submitters have cited clinical-significance assessments for this variant to ClinVar. Based on the evidence outlined above, the variant was classified as likely benign.